The following is an entry in ClinVar:

ClinVar aggregate classification (germline): Uncertain significance (1 of 4 stars; one submission).

Allele frequency attached by ClinVar (database versions not stated): gnomAD exomes below 0.00001; ExAC 0.00001; gnomAD 0.00001.
gnomAD v4.1: 7 of 1,614,038 alleles (0.00043%); highest among the groups gnomAD compares: South Asian, 0.0011%; no homozygotes.

Submission:

Labcorp Genetics (formerly Invitae), Labcorp
Classification: Uncertain significance. Last evaluated: 2022-07-05. Review status: criteria provided, single submitter. Criteria: Invitae Variant Classification Sherloc (09022015). Collection method: clinical testing. Allele origin: germline.
Comment: In summary, the available evidence is currently insufficient to determine the role of this variant in disease. Therefore, it has been classified as a Variant of Uncertain Significance. Algorithms developed to predict the effect of missense changes on protein structure and function (SIFT, PolyPhen-2, Align-GVGD) all suggest that this variant is likely to be disruptive. This variant has not been reported in the literature in individuals affected with ERCC3-related conditions. This variant is present in population databases (rs753633161, gnomAD 0.003%). This sequence change replaces arginine, which is basic and polar, with histidine, which is basic and polar, at codon 472 of the ERCC3 protein (p.Arg472His).

NM_000122.2(ERCC3):c.1415G>A (p.Arg472His)

Gene: ERCC3 (ERCC excision repair 3, TFIIH core complex helicase subunit; minus strand). Cytogenetic location: 2q14.3.
Variant type: single nucleotide variant.
Coding change: c.1415G>A on transcript NM_000122.2 (MANE Select); coding-DNA position 1415, G replaced by A.
Protein change: p.Arg472His; replaces arginine 472 with histidine.
Molecular consequence: missense variant.
Genome position (GRCh38, 1-based): chr2:127,280,559, C>T on the plus strand (G>A on the coding strand, the complement: ERCC3 is on the minus strand). VCF-style: chr2-127280559-C-T. GRCh37 (hg19) VCF-style: chr2-128038135-C-T.
Other names: c.1223G>A, p.Arg408His (NM_001303416.2, NM_001303418.2); short protein forms R408H, R472H.
Identifiers: ClinVar variation 2041471 (VCV002041471.4), dbSNP rs753633161, ClinGen allele CA1858271.